The following is an entry in ClinVar:

ClinVar aggregate classification (germline): Uncertain significance (1 of 4 stars; one submission).

gnomAD v4.1: 6 of 1,607,580 alleles (0.00037%); highest among the groups gnomAD compares: South Asian, 0.0034%; no homozygotes.

Submission:

CeGaT Center for Human Genetics Tuebingen
Classification: Uncertain significance. Last evaluated: 2026-04-01. Review status: criteria provided, single submitter. Criteria: CeGaT Center For Human Genetics Tuebingen Variant Classification Criteria Version 2. Collection method: clinical testing. Allele origin: germline. Affected: yes. Observed: 1 variant allele.
Comment: TTN: PM2:Supporting, BP4

NM_001267550.2(TTN):c.66173G>A (p.Arg22058His)

Genes: TTN (titin; minus strand), TTN-AS1 (TTN antisense RNA 1; plus strand). Cytogenetic location: 2q31.2.
Variant type: single nucleotide variant.
Coding change: c.66173G>A on transcript NM_001267550.2 (MANE Select); coding-DNA position 66173, G replaced by A.
Protein change: p.Arg22058His; replaces arginine 22058 with histidine.
Molecular consequence: missense variant.
Genome position (GRCh38, 1-based): chr2:178,582,196, C>T on the plus strand (G>A on the coding strand, the complement: TTN is on the minus strand). VCF-style: chr2-178582196-C-T. GRCh37 (hg19) VCF-style: chr2-179446923-C-T.
Other names: c.61250G>A, p.Arg20417His (NM_001256850.1); c.38978G>A, p.Arg12993His (NM_003319.4); c.58469G>A, p.Arg19490His (NM_133378.4); c.39353G>A, p.Arg13118His (NM_133432.3); c.39554G>A, p.Arg13185His (NM_133437.4); short protein forms R12993H, R13118H, R13185H, R19490H, R20417H, R22058H.
Identifiers: ClinVar variation 4873517 (VCV004873517.2).